The following is an entry in ClinVar:

ClinVar aggregate classification (germline): Uncertain significance (1 of 4 stars; one submission).

Conditions:
EGFR-related lung cancer (EGFR). Identifiers: MedGen CN130014.

Submission:

Labcorp Genetics (formerly Invitae), Labcorp
Classification: Uncertain significance for EGFR-related lung cancer. Last evaluated: 2023-12-16. Review status: criteria provided, single submitter. Criteria: Invitae Variant Classification Sherloc (09022015). Collection method: clinical testing. Allele origin: germline.
Comment: This sequence change replaces valine, which is neutral and non-polar, with alanine, which is neutral and non-polar, at codon 61 of the EGFR protein (p.Val61Ala). This variant is not present in population databases (gnomAD no frequency). This variant has not been reported in the literature in individuals affected with EGFR-related conditions. Advanced modeling of protein sequence and biophysical properties (such as structural, functional, and spatial information, amino acid conservation, physicochemical variation, residue mobility, and thermodynamic stability) performed at Invitae indicates that this missense variant is expected to disrupt EGFR protein function with a positive predictive value of 80%. In summary, the available evidence is currently insufficient to determine the role of this variant in disease. Therefore, it has been classified as a Variant of Uncertain Significance.

NM_005228.5(EGFR):c.182T>C (p.Val61Ala)

Gene: EGFR (epidermal growth factor receptor; plus strand). Cytogenetic location: 7p11.2.
Variant type: single nucleotide variant.
Coding change: c.182T>C on transcript NM_005228.5 (MANE Select); coding-DNA position 182, T replaced by C.
Protein change: p.Val61Ala; replaces valine 61 with alanine.
Molecular consequence: missense variant. On other transcripts: intron variant (1).
Genome position (GRCh38, 1-based): chr7:55,142,379, T>C. VCF-style: chr7-55142379-T-C. GRCh37 (hg19) VCF-style: chr7-55210072-T-C.
Other names: c.182T>C, p.Val61Ala (NM_001346897.2, NM_001346898.2, NM_001346899.2 and 3 more transcripts); c.23T>C, p.Val8Ala (NM_001346900.2); c.89-13451T>C (NM_001346941.2); short protein forms V8A, V61A.
Identifiers: ClinVar variation 2703531 (VCV002703531.3), dbSNP rs2128926332, ClinGen allele CA367574749.
Genomic context (GRCh38, chr7:55,142,379, plus strand): 5'-TGGGCACTTTTGAAGATCATTTTCTCAGCCTCCAGAGGATGTTCAATAACTGTGAGGTGG[T>C]CCTTGGGAATTTGGAAATTACCTATGTGCAGAGGAATTATGATCTTTCCTTCTTAAAGGT-3'
Protein context (NP_005219.2, residues 51-71): LQRMFNNCEV[Val61Ala]LGNLEITYVQ